The following is an entry in ClinVar:

NM_024665.7(TBL1XR1):c.1378G>A (p.Gly460Ser)

Gene: TBL1XR1 (TBL1X/Y related 1; minus strand). Cytogenetic location: 3q26.32.
Variant type: single nucleotide variant.
Coding change: c.1378G>A on transcript NM_024665.7 (MANE Select); coding-DNA position 1378, G replaced by A.
Protein change: p.Gly460Ser; replaces glycine 460 with serine.
Molecular consequence: missense variant.
Genome position (GRCh38, 1-based): chr3:177,033,009, C>T on the plus strand (G>A on the coding strand, the complement: TBL1XR1 is on the minus strand). VCF-style: chr3-177033009-C-T. GRCh37 (hg19) VCF-style: chr3-176750797-C-T.
Other names: c.1378G>A, p.Gly460Ser (NM_001321193.3, NM_001321194.3, NM_001374327.1 and 2 more transcripts); c.1117G>A, p.Gly373Ser (NM_001321195.3, NM_001374330.1); short protein forms G373S, G460S.
Identifiers: ClinVar variation 1188842 (VCV001188842.1), dbSNP rs2108407721, ClinGen allele CA355554269.

ClinVar aggregate classification (germline): Likely pathogenic (0 of 4 stars; one submission).

Conditions:
Intellectual developmental disorder, autosomal dominant 41. Also called: Intellectual disability, autosomal dominant 41. Identifiers: Orphanet 2823, MedGen C4310784, MONDO:0014842, OMIM 616944.

Submission:

Gene Discovery Core-Manton Center, Boston Children's Hospital
Classification: Likely pathogenic for Intellectual developmental disorder, autosomal dominant 41. Last evaluated: 2020-02-14. Review status: no assertion criteria provided. Collection method: research. Allele origin: de novo. Affected: yes.
Comment: This variant is interpreted as Likely Pathogenic for a neurodevelopmental disorder with global developmental delay; Autosomal Dominant. PM2- Absent from controls (gnomad). PP2- Missense variant in a gene that has a low rate of benign missense variation and in which missense variants are a common mechanism of disease. PP3- Multiple lines of computational evidence support a deleterious effect on the gene or gene product (conservation, evolutionary, splicing impact, etc.)